The following is an entry in ClinVar:

ClinVar aggregate classification (germline): Benign/Likely benign. Review status: criteria provided, multiple submitters, no conflicts (2 of 4 stars). 5 submissions from 5 submitters: Benign (1); Likely benign (3). 1 of the submissions does not count toward it. Last evaluated 2026-02-03.

Conditions:
SETBP1-related disorder. Also called: SETBP1-related condition; SETBP1-related disorders.

Allele frequency attached by ClinVar (database versions not stated): TOPMed 0.00001; gnomAD 0.00010; gnomAD exomes 0.00010 and 0.00023; ExAC 0.00028; 1000 Genomes Project 30x 0.00109; 1000 Genomes Project 0.00140.
gnomAD v4.1: 164 of 1,613,884 alleles (0.01%); highest among the groups gnomAD compares: South Asian, 0.16%; 2 homozygotes.

Submissions (5):

Labcorp Genetics (formerly Invitae), Labcorp
Classification: Likely benign. Last evaluated: 2026-02-03. Review status: criteria provided, single submitter. Criteria: Invitae Variant Classification Sherloc (09022015). Collection method: clinical testing. Allele origin: germline.

Revvity Omics, Revvity
Classification: Likely benign. Last evaluated: 2023-11-01. Review status: criteria provided, single submitter. Criteria: ACMG Guidelines, 2015. Collection method: clinical testing. Allele origin: germline.

Blueprint Genetics
Classification: Likely benign. Last evaluated: 2023-09-18. Review status: criteria provided, single submitter. Criteria: ACMG Guidelines, 2015. Collection method: clinical testing. Allele origin: germline.

GeneDx
Classification: Benign. Last evaluated: 2021-04-26. Review status: criteria provided, single submitter. Criteria: GeneDx Variant Classification Process June 2021. Collection method: clinical testing. Allele origin: germline. Affected: yes.

PreventionGenetics, part of Exact Sciences
Classification: Likely benign for SETBP1-related condition. Last evaluated: 2022-09-20. Review status: no assertion criteria provided. Collection method: clinical testing. Allele origin: germline. Not counted in ClinVar's aggregate classification.
Comment: This variant is classified as likely benign based on ACMG/AMP sequence variant interpretation guidelines (Richards et al. 2015 PMID: 25741868, with internal and published modifications).

NM_015559.3(SETBP1):c.575A>G (p.His192Arg)

Gene: SETBP1 (SET binding protein 1; plus strand). Cytogenetic location: 18q12.3.
Variant type: single nucleotide variant.
Coding change: c.575A>G on transcript NM_015559.3 (MANE Select); coding-DNA position 575, A replaced by G.
Protein change: p.His192Arg; replaces histidine 192 with arginine.
Molecular consequence: missense variant.
Genome position (GRCh38, 1-based): chr18:44,949,915, A>G. VCF-style: chr18-44949915-A-G. GRCh37 (hg19) VCF-style: chr18-42529880-A-G.
Other names: c.575A>G, p.His192Arg (NM_001379141.1, NM_001379142.1); short protein forms H192R.
Identifiers: ClinVar variation 1237167 (VCV001237167.16), dbSNP rs569466922, ClinGen allele CA8945460.